The following is an entry in ClinVar:

NM_020297.4(ABCC9):c.1455+4A>C

Gene: ABCC9 (ATP binding cassette subfamily C member 9; minus strand). Cytogenetic location: 12p12.1.
Variant type: single nucleotide variant.
Coding change: c.1455+4A>C on transcript NM_020297.4 (MANE Select); 4 bases into the intron after coding-DNA position 1455, A replaced by C.
Molecular consequence: intron variant.
Genome position (GRCh38, 1-based): chr12:21,908,073, T>G on the plus strand (A>C on the coding strand, the complement: ABCC9 is on the minus strand). VCF-style: chr12-21908073-T-G. GRCh37 (hg19) VCF-style: chr12-22061007-T-G.
Other names: c.591+4A>C (NM_001377274.1); c.1455+4A>C (NM_005691.4, NM_001377273.1).
Identifiers: ClinVar variation 519004 (VCV000519004.19), dbSNP rs376587222, ClinGen allele CA6481660.
Genomic context (GRCh38, chr12:21,908,073, plus strand): 5'-ATATTATAAAATTAAAACAGCATTTCTCATTTTTGTAATTAAGTTTCCAAAAGATGTTAC[T>G]TACAAGTGTACTTTTCTGAGCCTCTGCCAACTTTGTAGCAATAAAGTACTGAATTGGCGC-3'

ClinVar aggregate classification (germline): Conflicting classifications of pathogenicity. Review status: criteria provided, conflicting classifications (1 of 4 stars). 6 submissions from 5 submitters: Uncertain significance (5); Likely benign (1). Last evaluated 2026-01-19.

Conditions:
Cardiovascular phenotype. Identifiers: MedGen CN230736.
Hypertrichotic osteochondrodysplasia Cantu type. Also called: Cantú Syndrome; Cantu Syndrome. Identifiers: Orphanet 1517, MedGen C0795905, MONDO:0009406, OMIM 239850.
Dilated cardiomyopathy 1O (CMD1O). Also called: CARDIOMYOPATHY, DILATED, WITH VENTRICULAR TACHYCARDIA. Identifiers: Orphanet 154, MedGen C1837839, MONDO:0012062, OMIM 608569.

Allele frequency attached by ClinVar (database versions not stated): gnomAD exomes 0.00003 and 0.00004; gnomAD 0.00004; TOPMed 0.00005; ExAC 0.00007; ESP Exome Variant Server 0.00023.
gnomAD v4.1: 52 of 1,611,994 alleles (0.0032%); highest among the groups gnomAD compares: Admixed American, 0.0067%; no homozygotes.

Submissions (6):

Labcorp Genetics (formerly Invitae), Labcorp
Classification: Uncertain significance for Dilated cardiomyopathy 1O. Last evaluated: 2026-01-19. Review status: criteria provided, single submitter. Criteria: Invitae Variant Classification Sherloc (09022015). Collection method: clinical testing. Allele origin: germline.
Comment: This sequence change falls in intron 9 of the ABCC9 gene. It does not directly change the encoded amino acid sequence of the ABCC9 protein. It affects a nucleotide within the consensus splice site. This variant is present in population databases (rs376587222, gnomAD 0.007%). This variant has not been reported in the literature in individuals affected with ABCC9-related conditions. ClinVar contains an entry for this variant (Variation ID: 519004). Variants that disrupt the consensus splice site are a relatively common cause of aberrant splicing (PMID: 17576681, 9536098). Algorithms developed to predict the effect of sequence changes on RNA splicing suggest that this variant is not likely to affect RNA splicing. In summary, the available evidence is currently insufficient to determine the role of this variant in disease. Therefore, it has been classified as a Variant of Uncertain Significance.

Ambry Genetics
Classification: Likely benign for Cardiovascular phenotype. Last evaluated: 2022-12-30. Review status: criteria provided, single submitter. Criteria: Ambry Variant Classification Scheme 2023. Collection method: clinical testing. Allele origin: germline.

Clinical Genomics Laboratory, Stanford Medicine
Classification: Uncertain significance for Hypertrichotic osteochondrodysplasia Cantu type. Last evaluated: 2022-12-05. Review status: criteria provided, single submitter. Criteria: ACMG Guidelines, 2015. Collection method: clinical testing. Allele origin: germline. Observed: 1 variant allele, 1 heterozygote.
Comment: The c.1455+4A>C variant in the ABCC9 gene has not been previously reported in association with disease. This variant has been identified in 9/128634 European Non-Finnish chromosomes (12/281810 chromosomes overall) by the Genome Aggregation Database. This variant is present in ClinVar (Variation ID: 519004). Computational tools predict that this variant is deleterious; however, the accuracy of in silico algorithms is limited. These data were assessed using the ACMG/AMP variant interpretation guidelines. In summary, the significance of the c.1455+4A>C variant is uncertain. Additional information is needed to resolve the significance of this variant. [ACMG evidence codes used: PM2; PP3]

GeneDx
Classification: Uncertain significance. Last evaluated: 2021-06-17. Review status: criteria provided, single submitter. Criteria: GeneDx Variant Classification Process June 2021. Collection method: clinical testing. Allele origin: germline. Affected: yes.
Comment: Has not been previously published as pathogenic or benign to our knowledge; In silico analysis, which includes splice predictors and evolutionary conservation, supports a deleterious effect; c.1455+4 A>C may result in reduced efficiency or complete loss of the natural splice donor site for intron 9, which may cause abnormal gene splicing; however, in the absence of RNA/functional studies, the actual effect of this sequence change is unknown; Reported in ClinVar as a variant of uncertain significance but additional evidence is not available (ClinVar Variant ID# 519004; Landrum et al., 2016); This variant is associated with the following publications: (PMID: 26582918, 27535533)

Illumina Laboratory Services, Illumina
Classification: Uncertain significance for Hypertrichotic osteochondrodysplasia Cantu type. Last evaluated: 2017-04-28. Review status: criteria provided, single submitter. Criteria: ICSL Variant Classification Criteria 13 December 2019. Collection method: clinical testing. Allele origin: germline.

Illumina Laboratory Services, Illumina
Classification: Uncertain significance for Dilated cardiomyopathy 1O. Last evaluated: 2017-04-28. Review status: criteria provided, single submitter. Criteria: ICSL Variant Classification Criteria 13 December 2019. Collection method: clinical testing. Allele origin: germline.

Literature cited by the submitters: PubMed 17576681 (cited by Labcorp Genetics (formerly Invitae), Labcorp); PubMed 9536098 (cited by Labcorp Genetics (formerly Invitae), Labcorp).